The following is an entry in ClinVar:

NM_133497.4(KCNV2):c.1355C>T (p.Ala452Val)

Gene: KCNV2 (potassium voltage-gated channel modifier subfamily V member 2; plus strand). Cytogenetic location: 9p24.2.
Variant type: single nucleotide variant.
Coding change: c.1355C>T on transcript NM_133497.4 (MANE Select); coding-DNA position 1355, C replaced by T.
Protein change: p.Ala452Val; replaces alanine 452 with valine.
Molecular consequence: missense variant.
Genome position (GRCh38, 1-based): chr9:2,719,094, C>T. VCF-style: chr9-2719094-C-T. GRCh37 (hg19) VCF-style: chr9-2719094-C-T.
Other names: short protein forms A452V.
Identifiers: ClinVar variation 943135 (VCV000943135.10), dbSNP rs139767162, ClinGen allele CA4965869.
Genomic context (GRCh38, chr9:2,719,094, plus strand): 5'-TGGAGCACGATGTGCCCAGCACCAACTTCACTACCATCCCCCACTCCTGGTGGTGGGCCG[C>T]GGTGAGTACCTTTGCCCTGGGCTTTCCCATCCTCTTCCCCAGCCCAGTGAGCTGCTCCTC-3'
Protein context (NP_598004.1, residues 442-462): TTIPHSWWWA[Ala452Val]VSISTVGYGD

ClinVar aggregate classification (germline): Conflicting classifications of pathogenicity. Review status: criteria provided, conflicting classifications (1 of 4 stars). 4 submissions from 4 submitters: Uncertain significance (3); Likely benign (1). Last evaluated 2025-12-17.

Conditions:
Inborn genetic diseases. Identifiers: MedGen C0950123, MeSH D030342.
KCNV2-related disorder. Also called: KCNV2-related condition.

Allele frequency attached by ClinVar (database versions not stated): ExAC 0.00004; gnomAD exomes 0.00004 and 0.00006; ESP Exome Variant Server 0.00038; gnomAD 0.00040 and 0.00043; TOPMed 0.00046.
gnomAD v4.1: 128 of 1,608,440 alleles (0.008%); highest among the groups gnomAD compares: African/African-American, 0.12%; no homozygotes.

Submissions (4):

Labcorp Genetics (formerly Invitae), Labcorp
Classification: Likely benign. Last evaluated: 2025-12-17. Review status: criteria provided, single submitter. Criteria: Invitae Variant Classification Sherloc (09022015). Collection method: clinical testing. Allele origin: germline.

PreventionGenetics, part of Exact Sciences
Classification: Uncertain significance for KCNV2-related condition. Last evaluated: 2025-09-30. Review status: criteria provided, single submitter. Criteria: ACMG Guidelines, 2015. Collection method: clinical testing. Allele origin: germline.
Comment: The KCNV2 c.1355C>T variant is predicted to result in the amino acid substitution p.Ala452Val. To our knowledge, this variant has not been reported in the literature. This variant is present in 0.092% of alleles in individuals of African descent in gnomAD, which may be too common to be an unreported cause of disease. Although we suspect that this variant may be benign, at this time, the clinical significance of this variant is uncertain due to the absence of conclusive functional and genetic evidence.

Ambry Genetics
Classification: Uncertain significance for Inborn genetic diseases. Last evaluated: 2024-12-28. Review status: criteria provided, single submitter. Criteria: Ambry Variant Classification Scheme 2023. Collection method: clinical testing. Allele origin: germline.

Blueprint Genetics
Classification: Uncertain significance. Last evaluated: 2024-08-06. Review status: criteria provided, single submitter. Criteria: ACMG Guidelines, 2015. Collection method: clinical testing. Allele origin: germline.